The following is an entry in ClinVar:

ClinVar aggregate classification (germline): Likely benign (1 of 4 stars; one submission).

Conditions:
Polyps, multiple and recurrent inflammatory fibroid, gastrointestinal. Identifiers: MedGen C5193005, MONDO:0008285, OMIM 175510.

Submission:

Myriad Genetics, Inc.
Classification: Likely benign for Polyps, multiple and recurrent inflammatory fibroid, gastrointestinal. Last evaluated: 2026-06-15. Review status: criteria provided, single submitter. Criteria: Myriad Autosomal Dominant, Autosomal Recessive and X-Linked Classification Criteria (2023). Collection method: clinical testing. Allele origin: unknown.
Comment: This variant is considered likely benign. This variant is intronic and is not expected to impact mRNA splicing.

NM_006206.6(PDGFRA):c.2439+10A>G

Gene: PDGFRA (platelet derived growth factor receptor alpha; plus strand). Cytogenetic location: 4q12.
Variant type: single nucleotide variant.
Coding change: c.2439+10A>G on transcript NM_006206.6 (MANE Select); 10 bases into the intron after coding-DNA position 2439, A replaced by G.
Molecular consequence: intron variant.
Genome position (GRCh38, 1-based): chr4:54,285,496, A>G. VCF-style: chr4-54285496-A-G. GRCh37 (hg19) VCF-style: chr4-55151663-A-G.
Other names: c.2514+10A>G (NM_001347828.2); c.2439+10A>G (NM_001347829.2); c.2478+10A>G (NM_001347830.2).
Identifiers: ClinVar variation 4875892 (VCV004875892.1).